The following is an entry in ClinVar:

NM_006005.3(WFS1):c.1589A>G (p.Tyr530Cys)

Gene: WFS1 (wolframin ER transmembrane glycoprotein; plus strand). Cytogenetic location: 4p16.1.
Variant type: single nucleotide variant.
Coding change: c.1589A>G on transcript NM_006005.3 (MANE Select); coding-DNA position 1589, A replaced by G.
Protein change: p.Tyr530Cys; replaces tyrosine 530 with cysteine.
Molecular consequence: missense variant.
Genome position (GRCh38, 1-based): chr4:6,301,384, A>G. VCF-style: chr4-6301384-A-G. GRCh37 (hg19) VCF-style: chr4-6303111-A-G.
Other names: c.1589A>G, p.Tyr530Cys (NM_001145853.1); short protein forms Y530C.
Identifiers: ClinVar variation 2070018 (VCV002070018.4), dbSNP rs2474194306, ClinGen allele CA356176131.

ClinVar aggregate classification (germline): Uncertain significance (1 of 4 stars; one submission).

Submission:

Labcorp Genetics (formerly Invitae), Labcorp
Classification: Uncertain significance. Last evaluated: 2024-11-05. Review status: criteria provided, single submitter. Criteria: Invitae Variant Classification Sherloc (09022015). Collection method: clinical testing. Allele origin: germline.
Comment: This sequence change replaces tyrosine, which is neutral and polar, with cysteine, which is neutral and slightly polar, at codon 530 of the WFS1 protein (p.Tyr530Cys). This variant is not present in population databases (gnomAD no frequency). This variant has not been reported in the literature in individuals affected with WFS1-related conditions. ClinVar contains an entry for this variant (Variation ID: 2070018). Invitae Evidence Modeling of protein sequence and biophysical properties (such as structural, functional, and spatial information, amino acid conservation, physicochemical variation, residue mobility, and thermodynamic stability) indicates that this missense variant is not expected to disrupt WFS1 protein function with a negative predictive value of 95%. In summary, the available evidence is currently insufficient to determine the role of this variant in disease. Therefore, it has been classified as a Variant of Uncertain Significance.